The following is an entry in ClinVar:

ClinVar aggregate classification (germline): Conflicting classifications of pathogenicity. Review status: criteria provided, conflicting classifications (1 of 4 stars). 15 submissions from 15 submitters: Uncertain significance (1); Benign (5); Likely benign (5). 4 of the submissions do not count toward it. Last evaluated 2026-06-01.

Conditions:
COL5A1-related disorder. Also called: COL5A1-related condition.
Ehlers-Danlos syndrome, classic type, 1 (EDSCL1). Also called: Ehlers-Danlos syndrome, type 1; EHLERS-DANLOS SYNDROME, GRAVIS TYPE; EHLERS-DANLOS SYNDROME, SEVERE CLASSIC TYPE; Ehlers-Danlos Syndrome, Classic Type, COL5A1-Related; EDS I. Identifiers: MedGen C0268335, MONDO:0019567, OMIM 130000.
Ehlers-Danlos syndrome (EDS). Identifiers: Orphanet 98249, MedGen C0013720, MONDO:0020066.
Ehlers-Danlos syndrome, classic type (cEDS). Identifiers: Orphanet 287, MedGen C4225429, MONDO:0007522.
Familial thoracic aortic aneurysm and aortic dissection (TAAD). Also called: Thoracic aortic aneurysms and dissections. Identifiers: Orphanet 91387, MedGen C4707243, MONDO:0019625.

Allele frequency attached by ClinVar (database versions not stated): gnomAD 0.00102 and 0.00106; TOPMed 0.00112; ESP Exome Variant Server 0.00123.
gnomAD v4.1: 2,763 of 1,614,106 alleles (0.17%); highest among the groups gnomAD compares: Non-Finnish European, 0.22%; 4 homozygotes.

Submissions (15):

CeGaT Center for Human Genetics Tuebingen
Classification: Likely benign. Last evaluated: 2026-06-01. Review status: criteria provided, single submitter. Criteria: CeGaT Center For Human Genetics Tuebingen Variant Classification Criteria Version 2. Collection method: clinical testing. Allele origin: germline. Affected: yes. Observed: 6 variant alleles.
Comment: COL5A1: BP4, BP7

Labcorp Genetics (formerly Invitae), Labcorp
Classification: Benign for Ehlers-Danlos syndrome, classic type, 1. Last evaluated: 2026-02-01. Review status: criteria provided, single submitter. Criteria: Invitae Variant Classification Sherloc (09022015). Collection method: clinical testing. Allele origin: germline.

Mayo Clinic Laboratories, Mayo Clinic
Classification: Likely benign. Last evaluated: 2025-01-27. Review status: criteria provided, single submitter. Criteria: ACMG Guidelines, 2015. Collection method: clinical testing. Allele origin: germline. Observed: 19 variant alleles.
Comment: BS1, BP4, BP7

Blueprint Genetics
Classification: Likely benign. Last evaluated: 2024-11-12. Review status: criteria provided, single submitter. Criteria: ACMG Guidelines, 2015. Collection method: clinical testing. Allele origin: germline.

ARUP Laboratories, Molecular Genetics and Genomics, ARUP Laboratories
Classification: Benign. Last evaluated: 2024-09-04. Review status: criteria provided, single submitter. Criteria: ARUP Molecular Germline Variant Investigation Process 2024. Collection method: clinical testing. Allele origin: germline.

Women's Health and Genetics/Laboratory Corporation of America, LabCorp
Classification: Benign. Last evaluated: 2023-10-19. Review status: criteria provided, single submitter. Criteria: LabCorp Variant Classification Summary - May 2015. Collection method: clinical testing. Allele origin: germline.

Genome Diagnostics Laboratory, The Hospital for Sick Children
Classification: Likely benign for Ehlers-Danlos syndrome. Last evaluated: 2020-05-01. Review status: criteria provided, single submitter. Criteria: ACMG Guidelines, 2015. Collection method: clinical testing. Allele origin: germline.

Illumina Laboratory Services, Illumina
Classification: Benign for Ehlers-Danlos syndrome, classic type, 1. Last evaluated: 2018-01-12. Review status: criteria provided, single submitter. Criteria: ICSL Variant Classification Criteria 13 December 2019. Collection method: clinical testing. Allele origin: germline.
Comment: This variant was observed in the ICSL laboratory as part of a predisposition screen in an ostensibly healthy population. It had not been previously curated by ICSL or reported in the Human Gene Mutation Database (HGMD: prior to June 1st, 2018), and was therefore a candidate for classification through an automated scoring system. Utilizing variant allele frequency, disease prevalence and penetrance estimates, and inheritance mode, an automated score was calculated to assess if this variant is too frequent to cause the disease. Based on the score and internal cut-off values, a variant classified as benign is not then subjected to further curation. The score for this variant resulted in a classification of benign for this disease.

Ambry Genetics
Classification: Likely benign for Familial thoracic aortic aneurysm and aortic dissection. Last evaluated: 2016-01-26. Review status: criteria provided, single submitter. Criteria: Ambry Variant Classification Scheme 2023. Collection method: clinical testing. Allele origin: germline.

Eurofins Ntd Llc (ga)
Classification: Uncertain significance. Last evaluated: 2015-01-14. Review status: criteria provided, single submitter. Criteria: EGL Classification Definitions 2015. Collection method: clinical testing. Allele origin: germline. Observed: 3 variant alleles, 3 heterozygotes.

GeneDx
Classification: Benign. Last evaluated: 2014-09-03. Review status: criteria provided, single submitter. Criteria: GeneDx Variant Classification (06012015). Collection method: clinical testing. Allele origin: germline. Affected: yes.
Comment: This variant is considered likely benign or benign based on one or more of the following criteria: it is a conservative change, it occurs at a poorly conserved position in the protein, it is predicted to be benign by multiple in silico algorithms, and/or has population frequency not consistent with disease.

PreventionGenetics, part of Exact Sciences
Classification: Likely benign for COL5A1-related condition. Last evaluated: 2019-12-26. Review status: no assertion criteria provided. Collection method: clinical testing. Allele origin: germline. Not counted in ClinVar's aggregate classification.
Comment: This variant is classified as likely benign based on ACMG/AMP sequence variant interpretation guidelines (Richards et al. 2015 PMID: 25741868, with internal and published modifications).

Clinical Genetics DNA and cytogenetics Diagnostics Lab, Erasmus MC, Erasmus Medical Center
Classification: Likely benign. Review status: no assertion criteria provided. Collection method: clinical testing. Allele origin: germline. Affected: yes. Study: VKGL Data-share Consensus. Not counted in ClinVar's aggregate classification.

Genome Diagnostics Laboratory, Amsterdam University Medical Center
Classification: Benign. Review status: no assertion criteria provided. Collection method: clinical testing. Allele origin: germline. Affected: yes. Study: VKGL Data-share Consensus. Not counted in ClinVar's aggregate classification.

Genome Diagnostics Laboratory, University Medical Center Utrecht
Classification: Likely benign. Review status: no assertion criteria provided. Collection method: clinical testing. Allele origin: germline. Affected: yes. Study: VKGL Data-share Consensus. Not counted in ClinVar's aggregate classification.

NM_000093.5(COL5A1):c.1383C>T (p.Ile461=)

Gene: COL5A1 (collagen type V alpha 1 chain; plus strand). Cytogenetic location: 9q34.3.
Variant type: single nucleotide variant.
Coding change: c.1383C>T on transcript NM_000093.5 (MANE Select); coding-DNA position 1383, C replaced by T.
Protein change: p.Ile461=; no amino-acid change (isoleucine 461 retained).
Molecular consequence: synonymous variant.
Genome position (GRCh38, 1-based): chr9:134,732,121, C>T. VCF-style: chr9-134732121-C-T. GRCh37 (hg19) VCF-style: chr9-137623967-C-T.
Other names: p.Ile461=; c.1383C>T, p.Ile461= (NM_001278074.1).
Identifiers: ClinVar variation 198991 (VCV000198991.70), dbSNP rs61736827, ClinGen allele CA247942.